The following is an entry in ClinVar:

NM_001365088.1(SLC12A6):c.2144A>G (p.Lys715Arg)

Gene: SLC12A6 (solute carrier family 12 member 6; minus strand). Cytogenetic location: 15q14.
Variant type: single nucleotide variant.
Coding change: c.2144A>G on transcript NM_001365088.1 (MANE Select); coding-DNA position 2144, A replaced by G.
Protein change: p.Lys715Arg; replaces lysine 715 with arginine.
Molecular consequence: missense variant.
Genome position (GRCh38, 1-based): chr15:34,242,120, T>C on the plus strand (A>G on the coding strand, the complement: SLC12A6 is on the minus strand). VCF-style: chr15-34242120-T-C. GRCh37 (hg19) VCF-style: chr15-34534321-T-C.
Other names: c.1967A>G, p.Lys656Arg (NM_001042494.2, NM_001042495.2); c.2117A>G, p.Lys706Arg (NM_001042496.2); c.2099A>G, p.Lys700Arg (NM_001042497.2); c.1991A>G, p.Lys664Arg (NM_005135.2); c.2144A>G, p.Lys715Arg (NM_133647.2); short protein forms K656R, K664R, K706R, K700R, K715R.
Identifiers: ClinVar variation 1786625 (VCV001786625.5), dbSNP rs1396262986, ClinGen allele CA391620212.

ClinVar aggregate classification (germline): Uncertain significance. Review status: criteria provided, multiple submitters, no conflicts (2 of 4 stars). 3 submissions from 3 submitters: Uncertain significance (3). Last evaluated 2025-02-10.

Conditions:
Inborn genetic diseases. Identifiers: MedGen C0950123, MeSH D030342.
Agenesis of the corpus callosum with peripheral neuropathy (ACCPN). Also called: CHARLEVOIX DISEASE; POLYNEUROPATHY, SENSORIMOTOR, WITH OR WITHOUT AGENESIS OF THE CORPUS CALLOSUM; HMSN/ACC; Hereditary Motor and Sensory Neuropathy with Agenesis of the Corpus Callosum. Identifiers: Orphanet 1496, MedGen C0795950, MONDO:0000902, OMIM 218000. Disease mechanism: loss of function.
Charcot-Marie-Tooth disease, axonal, IIa 2II. Also called: CHARCOT-MARIE-TOOTH NEUROPATHY, TYPE 2II; Charcot-Marie-Tooth disease, axonal, type 2II; Charcot-marie-tooth disease, axonal,IIa 2II. Identifiers: MedGen C5774227, MONDO:0031068, OMIM 620068.

Allele frequency attached by ClinVar (database versions not stated): gnomAD 0.00001; TOPMed 0.00001; gnomAD exomes 0.00002.
gnomAD v4.1: 35 of 1,600,130 alleles (0.0022%); highest among the groups gnomAD compares: Non-Finnish European, 0.003%; no homozygotes.

Submissions (3):

Labcorp Genetics (formerly Invitae), Labcorp
Classification: Uncertain significance. Last evaluated: 2025-02-10. Review status: criteria provided, single submitter. Criteria: Invitae Variant Classification Sherloc (09022015). Collection method: clinical testing. Allele origin: germline.
Comment: This sequence change replaces lysine, which is basic and polar, with arginine, which is basic and polar, at codon 715 of the SLC12A6 protein (p.Lys715Arg). This variant is present in population databases (no rsID available, gnomAD 0.0009%). This variant has not been reported in the literature in individuals affected with SLC12A6-related conditions. ClinVar contains an entry for this variant (Variation ID: 1786625). Invitae Evidence Modeling of protein sequence and biophysical properties (such as structural, functional, and spatial information, amino acid conservation, physicochemical variation, residue mobility, and thermodynamic stability) indicates that this missense variant is expected to disrupt SLC12A6 protein function with a positive predictive value of 80%. Algorithms developed to predict the effect of sequence changes on RNA splicing suggest that this variant may create or strengthen a splice site. In summary, the available evidence is currently insufficient to determine the role of this variant in disease. Therefore, it has been classified as a Variant of Uncertain Significance.

Ambry Genetics
Classification: Uncertain significance for Inborn genetic diseases. Last evaluated: 2022-10-12. Review status: criteria provided, single submitter. Criteria: Ambry Variant Classification Scheme 2023. Collection method: clinical testing. Allele origin: germline.

Juno Genomics, Hangzhou Juno Genomics, Inc
Classification: Uncertain significance for Charcot-Marie-Tooth disease, axonal, IIa 2II; Agenesis of the corpus callosum with peripheral neuropathy. Review status: criteria provided, single submitter. Criteria: ACMG Guidelines, 2015. Collection method: clinical testing. Allele origin: germline. Affected: yes.
Comment: Absent from controls (or at extremely low frequency if recessive) in Genome Aggregation Database, Exome Sequencing Project, 1000 Genomes Project, or Exome Aggregation Consortium.;Multiple lines of computational evidence support a deleterious effect on the gene or gene product (conservation, evolutionary, splicing impact, etc).;Missense variant in a gene that has a low rate of benign missense variation and where missense variants are a common mechanism of disease.